The following is an entry in ClinVar:

ClinVar aggregate classification (germline): Likely pathogenic (1 of 4 stars; one submission).

Conditions:
Autosomal recessive polycystic kidney disease (ARPKD). Also called: AR polycystic kidney disease. Identifiers: Orphanet 731, Orphanet 8378, MedGen C0085548, MeSH D017044, MONDO:0009889.

Submission:

Labcorp Genetics (formerly Invitae), Labcorp
Classification: Likely pathogenic for Autosomal recessive polycystic kidney disease. Last evaluated: 2023-07-21. Review status: criteria provided, single submitter. Criteria: Invitae Variant Classification Sherloc (09022015). Collection method: clinical testing. Allele origin: germline.
Comment: This sequence change affects an acceptor splice site in intron 51 of the PKHD1 gene. It is expected to disrupt RNA splicing. Variants that disrupt the donor or acceptor splice site typically lead to a loss of protein function (PMID: 16199547), and loss-of-function variants in PKHD1 are known to be pathogenic (PMID: 19940839). This variant is not present in population databases (gnomAD no frequency). Disruption of this splice site has been observed in individual(s) with polycystic kidney disease (PMID: 33940108). Algorithms developed to predict the effect of sequence changes on RNA splicing suggest that this variant may disrupt the consensus splice site. In summary, the currently available evidence indicates that the variant is pathogenic, but additional data are needed to prove that conclusively. Therefore, this variant has been classified as Likely Pathogenic.

Literature cited by the submitters: PubMed 16199547; PubMed 19940839; PubMed 33940108.

NM_138694.4(PKHD1):c.8174-2A>G

Gene: PKHD1 (PKHD1 ciliary IPT domain containing fibrocystin/polyductin; minus strand). Cytogenetic location: 6p12.2.
Variant type: single nucleotide variant.
Coding change: c.8174-2A>G on transcript NM_138694.4 (MANE Select); the canonical splice acceptor site of the intron before coding-DNA position 8174, A replaced by G.
Molecular consequence: splice acceptor variant.
Genome position (GRCh38, 1-based): chr6:51,830,991, T>C on the plus strand (A>G on the coding strand, the complement: PKHD1 is on the minus strand). VCF-style: chr6-51830991-T-C. GRCh37 (hg19) VCF-style: chr6-51695789-T-C.
Other names: c.8174-2A>G (NM_170724.3).
Identifiers: ClinVar variation 2904419 (VCV002904419.3), dbSNP rs1582925274, ClinGen allele CA364424051.